The following is an entry in ClinVar:

NC_000015.9:g.(?_91333859)_(91334094_?)del

Gene: BLM (BLM RecQ like helicase; plus strand). Cytogenetic location: 15q26.1.
Variant type: Deletion.
Identifiers: ClinVar variation 1456957 (VCV001456957.7).

ClinVar aggregate classification (germline): Pathogenic (1 of 4 stars; one submission).

Conditions:
Bloom syndrome (BLM). Also called: Bloom-Torre-Machacek syndrome. Identifiers: Orphanet 125, MedGen C0005859, MONDO:0008876, OMIM 210900.

Submission:

Labcorp Genetics (formerly Invitae), Labcorp
Classification: Pathogenic for Bloom syndrome. Last evaluated: 2022-09-14. Review status: criteria provided, single submitter. Criteria: Invitae Variant Classification Sherloc (09022015). Collection method: clinical testing. Allele origin: germline.
Comment: This variant is a gross deletion of the genomic region encompassing exon(s) 15 of the BLM gene. This deletion is out-of-frame, and is expected to create a premature termination codon and result in an absent or disrupted protein product. Loss-of-function variants in BLM are known to be pathogenic (PMID: 17407155). A similar copy number variant has been observed in individual(s) with Bloom syndrome (PMID: 17407155). For these reasons, this variant has been classified as Pathogenic.

Literature cited by the submitters: PubMed 17407155.